The following is an entry in ClinVar:

ClinVar aggregate classification (germline): Uncertain significance (1 of 4 stars; one submission).

Conditions:
Frontotemporal dementia and/or amyotrophic lateral sclerosis 1 (FTDALS1). Also called: C9orf72 Frontotemporal Dementia and/or Amyotrophic Lateral Sclerosis; Frontotemporal dementia with motor neuron disease 1. Identifiers: Orphanet 275872, MedGen C5779877, MONDO:0007105, OMIM 105550.
Paget disease of bone 2, early-onset (PDB2). Also called: Paget disease of bone 2. Identifiers: MedGen C4085251, MONDO:0011183, OMIM 602080.

Submission:

Labcorp Genetics (formerly Invitae), Labcorp
Classification: Uncertain significance for Paget disease of bone 2, early-onset; Frontotemporal dementia and/or amyotrophic lateral sclerosis 1. Last evaluated: 2025-11-22. Review status: criteria provided, single submitter. Criteria: Invitae Variant Classification Sherloc (09022015). Collection method: clinical testing. Allele origin: germline.
Comment: This sequence change replaces serine, which is neutral and polar, with proline, which is neutral and non-polar, at codon 342 of the SQSTM1 protein (p.Ser342Pro). This variant is not present in population databases (gnomAD no frequency). This variant has not been reported in the literature in individuals affected with SQSTM1-related conditions. Invitae Evidence Modeling of protein sequence and biophysical properties (such as structural, functional, and spatial information, amino acid conservation, physicochemical variation, residue mobility, and thermodynamic stability) indicates that this missense variant is not expected to disrupt SQSTM1 protein function with a negative predictive value of 80%. In summary, the available evidence is currently insufficient to determine the role of this variant in disease. Therefore, it has been classified as a Variant of Uncertain Significance.

NM_003900.5(SQSTM1):c.1024T>C (p.Ser342Pro)

Gene: SQSTM1 (sequestosome 1; plus strand). Cytogenetic location: 5q35.3.
Variant type: single nucleotide variant.
Coding change: c.1024T>C on transcript NM_003900.5 (MANE Select); coding-DNA position 1024, T replaced by C.
Protein change: p.Ser342Pro; replaces serine 342 with proline.
Molecular consequence: missense variant.
Genome position (GRCh38, 1-based): chr5:179,833,641, T>C. VCF-style: chr5-179833641-T-C. GRCh37 (hg19) VCF-style: chr5-179260641-T-C.
Other names: c.772T>C, p.Ser258Pro (NM_001142298.2, NM_001142299.2); short protein forms S342P, S258P.
Identifiers: ClinVar variation 4791427 (VCV004791427.1).
Genomic context (GRCh38, chr5:179,833,641, plus strand): 5'-TTCCAGGAACAGATGGAGTCGGATAACTGTTCAGGAGGAGATGATGACTGGACCCATCTG[T>C]CTTCAAAAGAAGTGGACCCGTCTACAGGTGAACTCCAGTCCCTACAGATGCCAGAATCCG-3'
Protein context (NP_003891.1, residues 332-352): SGGDDDWTHL[Ser342Pro]SKEVDPSTGE